The following is an entry in ClinVar:

ClinVar aggregate classification (germline): Likely pathogenic (1 of 4 stars; one submission).

Submission:

Dasa
Classification: Likely pathogenic. Last evaluated: 2025-11-27. Review status: criteria provided, single submitter. Criteria: DASA Assertion Criteria. Collection method: clinical testing. Allele origin: germline.
Comment: NM_002693.3(POLG):c.1225C>T (p.Gln409*) is a nonsense variant in POLG predicted to introduce a premature termination codon and is predicted to result in an absent or altered protein product. Loss of function is an established disease mechanism for POLG-associated disorders. Also, this variant is rare in population databases. Based on the currently available evidence, this variant is classified as likely pathogenic.

NM_002693.3(POLG):c.1225C>T (p.Gln409Ter)

Gene: POLG (DNA polymerase gamma, catalytic subunit; minus strand). Cytogenetic location: 15q26.1.
Variant type: single nucleotide variant.
Coding change: c.1225C>T on transcript NM_002693.3 (MANE Select); coding-DNA position 1225, C replaced by T.
Protein change: p.Gln409Ter; replaces glutamine 409 with a stop codon.
Molecular consequence: nonsense.
Genome position (GRCh38, 1-based): chr15:89,328,481, G>A on the plus strand (C>T on the coding strand, the complement: POLG is on the minus strand). VCF-style: chr15-89328481-G-A. GRCh37 (hg19) VCF-style: chr15-89871712-G-A.
Other names: c.1225C>T, p.Gln409Ter (NM_001126131.2); short protein forms Q409*.
Identifiers: ClinVar variation 4883774 (VCV004883774.2).